The following is an entry in ClinVar:

NM_000529.2(MC2R):c.*2224A>C

Gene: MC2R (melanocortin 2 receptor; minus strand). Cytogenetic location: 18p11.21.
Variant type: single nucleotide variant.
Coding change: c.*2224A>C on transcript NM_000529.2 (MANE Select); 2224 bases downstream of the stop codon, A replaced by C.
Molecular consequence: 3 prime UTR variant.
Genome position (GRCh38, 1-based): chr18:13,882,401, T>G on the plus strand (A>C on the coding strand, the complement: MC2R is on the minus strand). VCF-style: chr18-13882401-T-G. GRCh37 (hg19) VCF-style: chr18-13882400-T-G.
Other names: c.*2224A>C (NM_001291911.1).
Identifiers: ClinVar variation 891401 (VCV000891401.4), dbSNP rs551809146, ClinGen allele CA296827566.
Genomic context (GRCh38, chr18:13,882,401, plus strand): 5'-CTGAAGCTTCTGTTCTGATTGGAATATAGCAGAAGACCTAGAATTGAAAATGTCTGGAAT[T>G]GCAAGTTCTCTGAATTAGCACTCAGACTTCATTTTTGTTTCATCCACCATTAGACTAGCC-3'

ClinVar aggregate classification (germline): Likely benign (1 of 4 stars; one submission).

Conditions:
Glucocorticoid deficiency 1 (GCCD1). Also called: Glucocorticoid deficiency, due to ACTH unresponsiveness; Adrenal unresponsiveness to acth; FAMILIAL GLUCOCORTICOID DEFICIENCY 1. Identifiers: Orphanet 361, MedGen C4049650, MONDO:0024536, OMIM 202200.

Allele frequency attached by ClinVar (database versions not stated): gnomAD 0.00004 and 0.00063; TOPMed 0.00008; 1000 Genomes Project 0.00300; 1000 Genomes Project 30x 0.00312.

Submission:

Illumina Laboratory Services, Illumina
Classification: Likely benign for Glucocorticoid deficiency 1. Last evaluated: 2018-01-13. Review status: criteria provided, single submitter. Criteria: ICSL Variant Classification Criteria 13 December 2019. Collection method: clinical testing. Allele origin: germline.
Comment: This variant was observed in the ICSL laboratory as part of a predisposition screen in an ostensibly healthy population. It had not been previously curated by ICSL or reported in the Human Gene Mutation Database (HGMD: prior to June 1st, 2018), and was therefore a candidate for classification through an automated scoring system. Utilizing variant allele frequency, disease prevalence and penetrance estimates, and inheritance mode, an automated score was calculated to assess if this variant is too frequent to cause the disease. Based on the score and internal cut-off values, a variant classified as likely benign is not then subjected to further curation. The score for this variant resulted in a classification of likely benign for this disease.